The following is an entry in ClinVar:

NM_021008.4(DEAF1):c.661T>C (p.Ser221Pro)

Gene: DEAF1 (DEAF1 transcription factor; minus strand). Cytogenetic location: 11p15.5.
Variant type: single nucleotide variant.
Coding change: c.661T>C on transcript NM_021008.4 (MANE Select); coding-DNA position 661, T replaced by C.
Protein change: p.Ser221Pro; replaces serine 221 with proline.
Molecular consequence: missense variant. On other transcripts: 5 prime UTR variant (1).
Genome position (GRCh38, 1-based): chr11:687,914, A>G on the plus strand (T>C on the coding strand, the complement: DEAF1 is on the minus strand). VCF-style: chr11-687914-A-G. GRCh37 (hg19) VCF-style: chr11-687914-A-G.
Other names: c.661T>C, p.Ser221Pro (NM_001293634.2); c.-66T>C (NM_001367390.1); short protein forms S221P.
Identifiers: ClinVar variation 916102 (VCV000916102.7), dbSNP rs1860668289, ClinGen allele CA378933279.

ClinVar aggregate classification (germline): Conflicting classifications of pathogenicity. Review status: criteria provided, conflicting classifications (1 of 4 stars). 2 submissions from 2 submitters: Likely pathogenic (1); Uncertain significance (1). Last evaluated 2022-08-15.

Submissions (2):

Labcorp Genetics (formerly Invitae), Labcorp
Classification: Uncertain significance. Last evaluated: 2022-08-15. Review status: criteria provided, single submitter. Criteria: Invitae Variant Classification Sherloc (09022015). Collection method: clinical testing. Allele origin: germline.
Comment: In summary, the available evidence is currently insufficient to determine the role of this variant in disease. Therefore, it has been classified as a Variant of Uncertain Significance. Advanced modeling of protein sequence and biophysical properties (such as structural, functional, and spatial information, amino acid conservation, physicochemical variation, residue mobility, and thermodynamic stability) performed at Invitae indicates that this missense variant is expected to disrupt DEAF1 protein function. ClinVar contains an entry for this variant (Variation ID: 916102). This variant has not been reported in the literature in individuals affected with DEAF1-related conditions. This variant is not present in population databases (gnomAD no frequency). This sequence change replaces serine, which is neutral and polar, with proline, which is neutral and non-polar, at codon 221 of the DEAF1 protein (p.Ser221Pro).

Laboratory of Molecular Genetics (Pr. Bezieau's lab), CHU de Nantes
Classification: Likely pathogenic. Last evaluated: 2019-08-07. Review status: criteria provided, single submitter. Criteria: ACMG Guidelines, 2015. Collection method: clinical testing. Allele origin: germline. Affected: yes.